The following is an entry in ClinVar:

ClinVar aggregate classification (germline): Uncertain significance (1 of 4 stars; one submission).

Submission:

GeneDx
Classification: Uncertain significance. Last evaluated: 2024-09-12. Review status: criteria provided, single submitter. Criteria: GeneDx Variant Classification Process June 2021. Collection method: clinical testing. Allele origin: germline. Affected: yes.
Comment: Not observed at significant frequency in large population cohorts (gnomAD); In silico analysis supports that this missense variant has a deleterious effect on protein structure/function; Has not been previously published as pathogenic or benign to our knowledge; This substitution is predicted to be within the extracellular loop between the S5 and S6 transmembrane segments of the second homologous domain

NM_001040142.2(SCN2A):c.2742T>G (p.Ile914Met)

Gene: SCN2A (sodium voltage-gated channel alpha subunit 2; plus strand). Cytogenetic location: 2q24.3.
Variant type: single nucleotide variant.
Coding change: c.2742T>G on transcript NM_001040142.2 (MANE Select); coding-DNA position 2742, T replaced by G.
Protein change: p.Ile914Met; replaces isoleucine 914 with methionine.
Molecular consequence: missense variant.
Genome position (GRCh38, 1-based): chr2:165,344,734, T>G. VCF-style: chr2-165344734-T-G. GRCh37 (hg19) VCF-style: chr2-166201244-T-G.
Other names: c.2742T>G, p.Ile914Met (NM_001040143.2, NM_001371246.1, NM_001371247.1 and 1 more transcripts); short protein forms I914M.
Identifiers: ClinVar variation 3769670 (VCV003769670.1).